The following is an entry in ClinVar:

NM_002692.4(POLE2):c.25C>G (p.Arg9Gly)

Gene: POLE2 (DNA polymerase epsilon 2, accessory subunit; minus strand). Cytogenetic location: 14q21.3.
Variant type: single nucleotide variant.
Coding change: c.25C>G on transcript NM_002692.4 (MANE Select); coding-DNA position 25, C replaced by G.
Protein change: p.Arg9Gly; replaces arginine 9 with glycine.
Molecular consequence: missense variant. On other transcripts: 5 prime UTR variant (1).
Genome position (GRCh38, 1-based): chr14:49,688,179, G>C on the plus strand (C>G on the coding strand, the complement: POLE2 is on the minus strand). VCF-style: chr14-49688179-G-C. GRCh37 (hg19) VCF-style: chr14-50154897-G-C.
Other names: c.25C>G, p.Arg9Gly (NM_001197330.2, NM_001197331.3, NM_001348384.2); c.-211C>G (NM_001348385.2); short protein forms R9G.
Identifiers: ClinVar variation 2183448 (VCV002183448.4), dbSNP rs778008374, ClinGen allele CA7173771.

ClinVar aggregate classification (germline): Uncertain significance (1 of 4 stars; one submission).

gnomAD v4.1: 33 of 1,543,798 alleles (0.0021%); highest among the groups gnomAD compares: Middle Eastern, 0.018%; no homozygotes.

Submission:

Labcorp Genetics (formerly Invitae), Labcorp
Classification: Uncertain significance. Last evaluated: 2024-08-29. Review status: criteria provided, single submitter. Criteria: Invitae Variant Classification Sherloc (09022015). Collection method: clinical testing. Allele origin: germline.
Comment: This sequence change replaces arginine, which is basic and polar, with glycine, which is neutral and non-polar, at codon 9 of the POLE2 protein (p.Arg9Gly). This variant is present in population databases (rs778008374, gnomAD 0.04%). This variant has not been reported in the literature in individuals affected with POLE2-related conditions. ClinVar contains an entry for this variant (Variation ID: 2183448). An algorithm developed to predict the effect of missense changes on protein structure and function (PolyPhen-2) suggests that this variant is likely to be tolerated. In summary, the available evidence is currently insufficient to determine the role of this variant in disease. Therefore, it has been classified as a Variant of Uncertain Significance.